The following is an entry in ClinVar:

ClinVar aggregate classification (germline): Uncertain significance (1 of 4 stars; one submission).

Allele frequency attached by ClinVar (database versions not stated): ExAC 0.00002; gnomAD exomes 0.00004; gnomAD 0.00007.
gnomAD v4.1: 62 of 1,470,114 alleles (0.0042%); highest among the groups gnomAD compares: Admixed American, 0.0093%; no homozygotes.

Submission:

Labcorp Genetics (formerly Invitae), Labcorp
Classification: Uncertain significance. Last evaluated: 2024-10-23. Review status: criteria provided, single submitter. Criteria: Invitae Variant Classification Sherloc (09022015). Collection method: clinical testing. Allele origin: germline.
Comment: This sequence change replaces glutamic acid, which is acidic and polar, with lysine, which is basic and polar, at codon 2069 of the DSCAML1 protein (p.Glu2069Lys). This variant is present in population databases (rs747590806, gnomAD 0.01%). This variant has not been reported in the literature in individuals affected with DSCAML1-related conditions. ClinVar contains an entry for this variant (Variation ID: 2082501). An algorithm developed to predict the effect of missense changes on protein structure and function (PolyPhen-2) suggests that this variant is likely to be tolerated. In summary, the available evidence is currently insufficient to determine the role of this variant in disease. Therefore, it has been classified as a Variant of Uncertain Significance.

NM_020693.4(DSCAML1):c.6025G>A (p.Glu2009Lys)

Gene: DSCAML1 (DS cell adhesion molecule like 1; minus strand). Cytogenetic location: 11q23.3.
Variant type: single nucleotide variant.
Coding change: c.6025G>A on transcript NM_020693.4 (MANE Select); coding-DNA position 6025, G replaced by A.
Protein change: p.Glu2009Lys; replaces glutamic acid 2009 with lysine.
Molecular consequence: missense variant.
Genome position (GRCh38, 1-based): chr11:117,428,465, C>T on the plus strand (G>A on the coding strand, the complement: DSCAML1 is on the minus strand). VCF-style: chr11-117428465-C-T. GRCh37 (hg19) VCF-style: chr11-117299181-C-T.
Other names: short protein forms E2009K.
Identifiers: ClinVar variation 2082501 (VCV002082501.4), dbSNP rs747590806, ClinGen allele CA6295886.
Genomic context (GRCh38, chr11:117,428,465, plus strand): 5'-CGAGAAGCGAGTCCCTGGAGCCCCCCATTTTGGTGTGTGGGCCCCCGGCTCGTGGAGGCT[C>T]GGTGCTGGGGGCCGGAGGGGCAGCGCTGGGGGCGGTGGGTGGCTCAGCAGGGGTGGGGCC-3'
Protein context (NP_065744.3, residues 1999-2019): PSAAPPAPST[Glu2009Lys]PPRAGGPHTK